The following is an entry in ClinVar:

NM_000271.5(NPC1):c.1642G>T (p.Gly548Ter)

Gene: NPC1 (NPC intracellular cholesterol transporter 1; minus strand). Cytogenetic location: 18q11.2.
Variant type: single nucleotide variant.
Coding change: c.1642G>T on transcript NM_000271.5 (MANE Select); coding-DNA position 1642, G replaced by T.
Protein change: p.Gly548Ter; replaces glycine 548 with a stop codon.
Molecular consequence: nonsense.
Genome position (GRCh38, 1-based): chr18:23,551,639, C>A on the plus strand (G>T on the coding strand, the complement: NPC1 is on the minus strand). VCF-style: chr18-23551639-C-A. GRCh37 (hg19) VCF-style: chr18-21131603-C-A.
Other names: short protein forms G548*.
Identifiers: ClinVar variation 1726331 (VCV001726331.2), dbSNP rs2511262593, ClinGen allele CA401774737.

ClinVar aggregate classification (germline): Likely pathogenic (1 of 4 stars; one submission).

Conditions:
Niemann-Pick disease, type C1. Also called: NEUROVISCERAL STORAGE DISEASE WITH VERTICAL SUPRANUCLEAR OPHTHALMOPLEGIA; NIEMANN-PICK DISEASE WITH CHOLESTEROL ESTERIFICATION BLOCK; NIEMANN-PICK DISEASE WITHOUT SPHINGOMYELINASE DEFICIENCY; NIEMANN-PICK DISEASE, CHRONIC NEURONOPATHIC FORM; NIEMANN-PICK DISEASE, VARIANT TYPE C1. Identifiers: Orphanet 646, MedGen C3179455, MONDO:0009757, OMIM 257220.

Submission:

Myriad Genetics, Inc.
Classification: Likely pathogenic for Niemann-Pick disease, type C1. Last evaluated: 2021-12-16. Review status: criteria provided, single submitter. Criteria: Myriad Women's Health Autosomal Recessive and X-Linked Classification Criteria (2021). Collection method: clinical testing. Allele origin: unknown.
Comment: NM_000271.4(NPC1):c.1642G>T(G548*) is expected to be pathogenic in the context of Niemann-Pick disease type C1. This variant is predicted to lead to an abnormal or absent protein product due to the creation of a premature termination codon in NPC1, a gene where loss-of-function variants are known to be pathogenic. Please note: this variant was assessed in the context of healthy population screening.